The following is an entry in ClinVar:

NM_020166.5(MCCC1):c.635G>C (p.Gly212Ala)

Gene: MCCC1 (methylcrotonyl-CoA carboxylase subunit 1; minus strand). Cytogenetic location: 3q27.1.
Variant type: single nucleotide variant.
Coding change: c.635G>C on transcript NM_020166.5 (MANE Select); coding-DNA position 635, G replaced by C.
Protein change: p.Gly212Ala; replaces glycine 212 with alanine.
Molecular consequence: missense variant. On other transcripts: non-coding transcript variant (2).
Genome position (GRCh38, 1-based): chr3:183,071,214, C>G on the plus strand (G>C on the coding strand, the complement: MCCC1 is on the minus strand). VCF-style: chr3-183071214-C-G. GRCh37 (hg19) VCF-style: chr3-182789002-C-G.
Other names: c.284G>C, p.Gly95Ala (NM_001293273.2); c.308G>C, p.Gly103Ala (NM_001363880.1); short protein forms G95A, G103A, G212A.
Identifiers: ClinVar variation 644715 (VCV000644715.11), dbSNP rs749287771, ClinGen allele CA2719026.

ClinVar aggregate classification (germline): Uncertain significance. Review status: criteria provided, multiple submitters, no conflicts (2 of 4 stars). 3 submissions from 3 submitters: Uncertain significance (2). 1 of the submissions does not count toward it. Last evaluated 2022-05-19.

Conditions:
3-methylcrotonyl-CoA carboxylase 1 deficiency (MCC1D). Also called: MCCD TYPE 1; METHYLCROTONYLGLYCINURIA TYPE I; MCC 1 deficiency; 3 Alpha methylcrotonylglycinuria 1. Identifiers: Orphanet 6, MedGen CN028786, MONDO:0008861, OMIM 210200.

Allele frequency attached by ClinVar (database versions not stated): TOPMed below 0.00001; ExAC 0.00001; gnomAD 0.00001.
gnomAD v4.1: 1 of 1,614,024 alleles (0.000062%); highest among the groups gnomAD compares: Admixed American, 0.0017%; no homozygotes.

Submissions (3):

Labcorp Genetics (formerly Invitae), Labcorp
Classification: Uncertain significance for 3-methylcrotonyl-CoA carboxylase 1 deficiency. Last evaluated: 2022-05-19. Review status: criteria provided, single submitter. Criteria: Invitae Variant Classification Sherloc (09022015). Collection method: clinical testing. Allele origin: germline.
Comment: This sequence change replaces glycine, which is neutral and non-polar, with alanine, which is neutral and non-polar, at codon 212 of the MCCC1 protein (p.Gly212Ala). This variant is not present in population databases (gnomAD no frequency). This variant has not been reported in the literature in individuals affected with MCCC1-related conditions. ClinVar contains an entry for this variant (Variation ID: 644715). Algorithms developed to predict the effect of missense changes on protein structure and function (SIFT, PolyPhen-2, Align-GVGD) all suggest that this variant is likely to be disruptive. In summary, the available evidence is currently insufficient to determine the role of this variant in disease. Therefore, it has been classified as a Variant of Uncertain Significance.

Baylor Genetics
Classification: Uncertain significance for 3-methylcrotonyl-CoA carboxylase 1 deficiency. Last evaluated: 2019-09-05. Review status: criteria provided, single submitter. Criteria: ACMG Guidelines, 2015. Collection method: clinical testing. Allele origin: unknown. Affected: yes.
Comment: This variant was determined to be of uncertain significance according to ACMG Guidelines, 2015 [PMID:25741868].

Natera, Inc.
Classification: Uncertain significance for 3-methylcrotonyl-CoA carboxylase 1 deficiency. Last evaluated: 2021-09-08. Review status: no assertion criteria provided. Collection method: clinical testing. Allele origin: germline. Not counted in ClinVar's aggregate classification.